The following is an entry in ClinVar:

ClinVar aggregate classification (germline): Likely pathogenic (1 of 4 stars; one submission).

Conditions:
Short stature-brachydactyly-obesity-global developmental delay syndrome. Also called: Short stature, brachydactyly, intellectual developmental disability, and seizures; SHORT STATURE, BRACHYDACTYLY, IMPAIRED INTELLECTUAL DEVELOPMENT, AND SEIZURES. Identifiers: Orphanet 464288, MedGen C4310689, MONDO:0014944, OMIM 617157.

Submission:

3billion
Classification: Likely pathogenic for Short stature-brachydactyly-obesity-global developmental delay syndrome. Last evaluated: 2025-11-30. Review status: criteria provided, single submitter. Criteria: ACMG Guidelines, 2015. Collection method: clinical testing. Allele origin: germline. Affected: yes.
Comment: The variant is not observed in the gnomAD v4.1.0 dataset. Predicted Consequence/Location: Frameshift: predicted to result in a loss or disruption of normal protein function through nonsense-mediated decay (NMD) or protein truncation. Multiple pathogenic variants are reported downstream of the variant. Therefore, this variant is classified as Likely pathogenic according to the recommendation of ACMG/AMP guideline.

NM_019023.5(PRMT7):c.1343dup (p.Leu448fs)

Gene: PRMT7 (protein arginine methyltransferase 7; plus strand). Cytogenetic location: 16q22.1.
Variant type: Duplication.
Coding change: c.1343dup on transcript NM_019023.5 (MANE Select); coding-DNA position 1343, one base duplicated (T; older notation c.1343dupT).
Protein change: p.Leu448fs; shifts the reading frame from leucine 448.
Molecular consequence: frameshift variant. On other transcripts: non-coding transcript variant (12).
Genome position (GRCh38, 1-based): chr16:68,348,361, T duplicated; the last of 2 consecutive T bases (chr16:68,348,360-68,348,361); duplicating either gives the same sequence. VCF-style (leftmost placement, unchanged base first): chr16-68348359-C-CT. GRCh37 (hg19) VCF-style: chr16-68382262-C-CT.
Other names: c.1106dup, p.Leu369fs (NM_001378022.1, NM_001378023.1, NM_001378021.1); c.1193dup, p.Leu398fs (NM_001184824.4); c.1343dup, p.Leu448fs (NM_001290018.2, NM_001351143.3, NM_001351144.3 and 1 more transcripts); c.1136dup, p.Leu379fs (NM_001378020.1); short protein forms L369fs, L379fs, L398fs, L448fs.
Identifiers: ClinVar variation 4855128 (VCV004855128.1).
Genomic context (GRCh38, chr16:68,348,359, plus strand): 5'-TACTTTAGTATGAATACAGTAATTTTACGGTTTTCTTTCTAAGATCTTCAAGGCTAACCA[C>CT]TTGGAAGATAAAATTAACATCATAGAGAAACGGCCGGAATTATTAACAAATGAGGACCTA-3'